The following is an entry in ClinVar:

ClinVar aggregate classification (germline): Uncertain significance (1 of 4 stars; one submission).

Submission:

GeneDx
Classification: Uncertain significance. Last evaluated: 2019-11-15. Review status: criteria provided, single submitter. Criteria: GeneDx Variant Classification Process June 2021. Collection method: clinical testing. Allele origin: germline. Affected: yes.
Comment: Not observed in large population cohorts (Lek et al., 2016); In silico analysis, which includes protein predictors and evolutionary conservation, supports a deleterious effect; Has not been previously published as pathogenic or benign to our knowledge

NM_001101426.4(CRPPA):c.536C>A (p.Ala179Glu)

Gene: CRPPA (CDP-L-ribitol pyrophosphorylase A; minus strand). Cytogenetic location: 7p21.2.
Variant type: single nucleotide variant.
Coding change: c.536C>A on transcript NM_001101426.4 (MANE Select); coding-DNA position 536, C replaced by A.
Protein change: p.Ala179Glu; replaces alanine 179 with glutamic acid.
Molecular consequence: missense variant. On other transcripts: non-coding transcript variant (1), intron variant (1).
Genome position (GRCh38, 1-based): chr7:16,376,240, G>T on the plus strand (C>A on the coding strand, the complement: CRPPA is on the minus strand). VCF-style: chr7-16376240-G-T. GRCh37 (hg19) VCF-style: chr7-16415865-G-T.
Other names: c.536C>A, p.Ala179Glu (NM_001368197.1); c.534+29821C>A (NM_001101417.4); short protein forms A179E.
Identifiers: ClinVar variation 1310392 (VCV001310392.2), dbSNP rs2128312092, ClinGen allele CA367002357.